The following is an entry in ClinVar:

ClinVar aggregate classification (germline): Uncertain significance (1 of 4 stars; one submission).

Conditions:
Neutropenia, severe congenital, 2, autosomal dominant. Identifiers: Orphanet 486, MedGen C2751288, MONDO:0013139, OMIM 613107.

gnomAD v4.1: 3 of 1,614,030 alleles (0.00019%); highest among the groups gnomAD compares: African/African-American, 0.0027%; no homozygotes.

Submission:

Labcorp Genetics (formerly Invitae), Labcorp
Classification: Uncertain significance for Neutropenia, severe congenital, 2, autosomal dominant. Last evaluated: 2025-07-21. Review status: criteria provided, single submitter. Criteria: Invitae Variant Classification Sherloc (09022015). Collection method: clinical testing. Allele origin: germline.
Comment: This sequence change replaces valine, which is neutral and non-polar, with methionine, which is neutral and non-polar, at codon 409 of the GFI1 protein (p.Val409Met). This variant is present in population databases (rs775251448, gnomAD 0.003%). This variant has not been reported in the literature in individuals affected with GFI1-related conditions. ClinVar contains an entry for this variant (Variation ID: 3703868). Invitae Evidence Modeling of protein sequence and biophysical properties (such as structural, functional, and spatial information, amino acid conservation, physicochemical variation, residue mobility, and thermodynamic stability) indicates that this missense variant is expected to disrupt GFI1 protein function with a positive predictive value of 80%. In summary, the available evidence is currently insufficient to determine the role of this variant in disease. Therefore, it has been classified as a Variant of Uncertain Significance.

NM_005263.5(GFI1):c.1225G>A (p.Val409Met)

Genes: GFI1 (growth factor independent 1 transcriptional repressor; minus strand), LOC129930930 (ATAC-STARR-seq lymphoblastoid active region 1314; plus strand). Cytogenetic location: 1p22.1.
Variant type: single nucleotide variant.
Coding change: c.1225G>A on transcript NM_005263.5 (MANE Select); coding-DNA position 1225, G replaced by A.
Protein change: p.Val409Met; replaces valine 409 with methionine.
Molecular consequence: missense variant.
Genome position (GRCh38, 1-based): chr1:92,476,073, C>T on the plus strand (G>A on the coding strand, the complement: GFI1 is on the minus strand). VCF-style: chr1-92476073-C-T. GRCh37 (hg19) VCF-style: chr1-92941630-C-T.
Other names: c.1225G>A, p.Val409Met (NM_001127215.3, NM_001127216.3); short protein forms V409M.
Identifiers: ClinVar variation 3703868 (VCV003703868.2).
Genomic context (GRCh38, chr1:92,476,073, plus strand): 5'-CAGCCAGCCAGGGTGCTCATTTGAGCCCATGCTGCGTCTCCCGGTGCCTTCGGAGGTCCA[C>T]CTTCCTCTGGAAACCCTTCCCACAGAGGTCGCAGCCGAAGGGCTTGAAGCCTGTGTGTTT-3'
Protein context (NP_005254.2, residues 399-419): DLCGKGFQRK[Val409Met]DLRRHRETQH